The following is an entry in ClinVar:

NM_005589.4(ALDH6A1):c.1350C>T (p.Phe450=)

Genes: ALDH6A1 (aldehyde dehydrogenase 6 family member A1; minus strand), BBOF1 (basal body orientation factor 1; plus strand). Cytogenetic location: 14q24.3.
Variant type: single nucleotide variant.
Coding change: c.1350C>T on transcript NM_005589.4 (MANE Select); coding-DNA position 1350, C replaced by T.
Protein change: p.Phe450=; no amino-acid change (phenylalanine 450 retained).
Molecular consequence: synonymous variant. On other transcripts: 3 prime UTR variant (1).
Genome position (GRCh38, 1-based): chr14:74,065,235, G>A on the plus strand (C>T on the coding strand, the complement: ALDH6A1 is on the minus strand). VCF-style: chr14-74065235-G-A. GRCh37 (hg19) VCF-style: chr14-74531938-G-A.
Other names: c.1311C>T, p.Phe437= (NM_001278593.2); c.888C>T, p.Phe296= (NM_001278594.2); c.*536G>A (NM_025057.3).
Identifiers: ClinVar variation 2068431 (VCV002068431.6), dbSNP rs971445377, ClinGen allele CA263540926.

ClinVar aggregate classification (germline): Likely benign. Review status: criteria provided, single submitter (1 of 4 stars). 2 submissions from 2 submitters: Likely benign (1). 1 of the submissions does not count toward it. Last evaluated 2021-12-29.

Conditions:
ALDH6A1-related disorder. Also called: ALDH6A1-related condition.

Allele frequency attached by ClinVar (database versions not stated): TOPMed 0.00006; gnomAD 0.00008.
gnomAD v4.1: 20 of 1,614,140 alleles (0.0012%); highest among the groups gnomAD compares: African/African-American, 0.024%; no homozygotes.

Submissions (2):

Labcorp Genetics (formerly Invitae), Labcorp
Classification: Likely benign. Last evaluated: 2021-12-29. Review status: criteria provided, single submitter. Criteria: Invitae Variant Classification Sherloc (09022015). Collection method: clinical testing. Allele origin: germline.

PreventionGenetics, part of Exact Sciences
Classification: Likely benign for ALDH6A1-related condition. Last evaluated: 2020-01-28. Review status: no assertion criteria provided. Collection method: clinical testing. Allele origin: germline. Not counted in ClinVar's aggregate classification.
Comment: This variant is classified as likely benign based on ACMG/AMP sequence variant interpretation guidelines (Richards et al. 2015 PMID: 25741868, with internal and published modifications).